The following is an entry in ClinVar:

ClinVar aggregate classification (germline): Uncertain significance (1 of 4 stars; one submission).

Submission:

Quest Diagnostics Nichols Institute San Juan Capistrano
Classification: Uncertain significance. Last evaluated: 2025-08-20. Review status: criteria provided, single submitter. Criteria: Quest Diagnostics criteria. Collection method: clinical testing. Allele origin: unknown.
Comment: The HBA1 c.194A>C (p.Asp65Ala) variant has not been reported in individuals with HBA1-related conditions in the published literature. This variant also has not been reported in large, multi-ethnic general populations (Genome Aggregation Database). Analysis of this variant using bioinformatics tools for the prediction of the effect of amino acid changes on protein structure and function yielded conflicting predictions that this variant is deleterious or benign. Based on the available information, we are unable to determine the clinical significance of this variant.

NM_000558.5(HBA1):c.194A>C (p.Asp65Ala)

Genes: HBA1 (hemoglobin subunit alpha 1; plus strand), LOC106804613 (hemoglobin subunit alpha 1 recombination region; plus strand). Cytogenetic location: 16p13.3.
Variant type: single nucleotide variant.
Coding change: c.194A>C on transcript NM_000558.5 (MANE Select); coding-DNA position 194, A replaced by C.
Protein change: p.Asp65Ala; replaces aspartic acid 65 with alanine.
Molecular consequence: missense variant.
Genome position (GRCh38, 1-based): chr16:177,027, A>C. VCF-style: chr16-177027-A-C. GRCh37 (hg19) VCF-style: chr16-227026-A-C.
Other names: short protein forms D65A.
Identifiers: ClinVar variation 4533031 (VCV004533031.1).